The following is an entry in ClinVar:

ClinVar aggregate classification (germline): Pathogenic (1 of 4 stars; one submission).

Conditions:
Osteogenesis imperfecta with normal sclerae, dominant form (OI4). Also called: OSTEOGENESIS IMPERFECTA, TYPE IV, WITH DENTINOGENESIS IMPERFECTA; OSTEOGENESIS IMPERFECTA WITH NORMAL SCLERAE; Osteogenesis imperfecta type 4; Common Variable Osteogenesis Imperfecta with Normal Sclerae; Osteogenesis Imperfecta Type IV. Identifiers: Orphanet 216820, Orphanet 666, MedGen C0268363, MONDO:0008148, OMIM 166220.

Submission:

Clinical Biomedical Laboratory, Shriners Hospital For Children - Canada
Classification: Pathogenic for Osteogenesis imperfecta with normal sclerae, dominant form. Last evaluated: 2025-05-12. Review status: criteria provided, single submitter. Criteria: ACMG Guidelines, 2015. Collection method: clinical testing. Allele origin: germline. Affected: yes.
Comment: This variant is predicted to substitute a glycine residue by a cysteine residue in the alpha 2 chain of collagen type I. This variant is absent from the Genome Aggregation Database (v2.1.1). The variant is not listed in ClinVar. Glycine substitutions in the triple helical domain of collagen type I cause disruption in the formation of the triple helix in the collagen molecule and are a typical cause of osteogenesis imperfecta.

Literature cited by the submitters: PubMed 27509835.

NM_000089.4(COL1A2):c.2269G>T (p.Gly757Cys)

Gene: COL1A2 (collagen type I alpha 2 chain; plus strand). Cytogenetic location: 7q21.3.
Variant type: single nucleotide variant.
Coding change: c.2269G>T on transcript NM_000089.4 (MANE Select); coding-DNA position 2269, G replaced by T.
Protein change: p.Gly757Cys; replaces glycine 757 with cysteine.
Molecular consequence: missense variant.
Genome position (GRCh38, 1-based): chr7:94,420,622, G>T. VCF-style: chr7-94420622-G-T. GRCh37 (hg19) VCF-style: chr7-94049934-G-T.
Other names: short protein forms G757C.
Identifiers: ClinVar variation 3900698 (VCV003900698.1).
Genomic context (GRCh38, chr7:94,420,622, plus strand): 5'-GCTAAAGGAGAAAGAGGAGCCAAAGGGCCTAAGGGTGAAAACGGTGTTGTTGGTCCCACA[G>T]GCCCCGTTGGAGCTGCTGGCCCAGCTGTAAGTTGAATTCACTGGTGGTCCACACAGCAGC-3'
Protein context (NP_000080.2, residues 747-767): KGENGVVGPT[Gly757Cys]PVGAAGPAGP